The following is an entry in ClinVar:

NM_002386.4(MC1R):c.576C>T (p.Leu192=)

Gene: MC1R (melanocortin 1 receptor; plus strand). Cytogenetic location: 16q24.3.
Variant type: single nucleotide variant.
Coding change: c.576C>T on transcript NM_002386.4 (MANE Select); coding-DNA position 576, C replaced by T.
Protein change: p.Leu192=; no amino-acid change (leucine 192 retained).
Molecular consequence: synonymous variant.
Genome position (GRCh38, 1-based): chr16:89,919,834, C>T. VCF-style: chr16-89919834-C-T. GRCh37 (hg19) VCF-style: chr16-89986242-C-T.
Identifiers: ClinVar variation 3543987 (VCV003543987.3).

ClinVar aggregate classification (germline): Conflicting classifications of pathogenicity. Review status: criteria provided, conflicting classifications (1 of 4 stars). 2 submissions from 2 submitters: Uncertain significance (1); Likely benign (1). Last evaluated 2024-12-04.

Conditions:
Melanoma, cutaneous malignant, susceptibility to, 5. Also called: Cutaneous malignant melanoma 5. Identifiers: Orphanet 618, MedGen C2751295, MONDO:0013133, OMIM 613099.

Submissions (2):

Labcorp Genetics (formerly Invitae), Labcorp
Classification: Uncertain significance for Melanoma, cutaneous malignant, susceptibility to, 5. Last evaluated: 2024-12-04. Review status: criteria provided, single submitter. Criteria: Invitae Variant Classification Sherloc (09022015). Collection method: clinical testing. Allele origin: germline.
Comment: This sequence change affects codon 192 of the MC1R mRNA. It is a 'silent' change, meaning that it does not change the encoded amino acid sequence of the MC1R protein. The frequency data for this variant in the population databases is considered unreliable, as metrics indicate poor data quality at this position in the gnomAD database. This variant has not been reported in the literature in individuals affected with MC1R-related conditions. In summary, the available evidence is currently insufficient to determine the role of this variant in disease. Therefore, it has been classified as a Variant of Uncertain Significance.

Ambry Genetics
Classification: Likely benign. Last evaluated: 2024-12-02. Review status: criteria provided, single submitter. Criteria: Ambry Variant Classification Scheme 2023. Collection method: clinical testing. Allele origin: germline.